The following is an entry in ClinVar:

NM_001080517.3(SETD5):c.1172A>G (p.Tyr391Cys)

Gene: SETD5 (SET domain containing 5; plus strand). Cytogenetic location: 3p25.3.
Variant type: single nucleotide variant.
Coding change: c.1172A>G on transcript NM_001080517.3 (MANE Select); coding-DNA position 1172, A replaced by G.
Protein change: p.Tyr391Cys; replaces tyrosine 391 with cysteine.
Molecular consequence: missense variant.
Genome position (GRCh38, 1-based): chr3:9,443,402, A>G. VCF-style: chr3-9443402-A-G. GRCh37 (hg19) VCF-style: chr3-9485086-A-G.
Other names: c.878A>G, p.Tyr293Cys (NM_001292043.2, NM_001349451.2); short protein forms Y293C, Y391C.
Identifiers: ClinVar variation 1879570 (VCV001879570.30), dbSNP rs772998674, ClinGen allele CA351690441.

ClinVar aggregate classification (germline): Likely pathogenic. Review status: criteria provided, multiple submitters, no conflicts (2 of 4 stars). 2 submissions from 2 submitters: Likely pathogenic (2). Last evaluated 2024-03-01.

Conditions:
SETD5-related disorder. Also called: SETD5-related disorders; SETD5-related condition.

Submissions (2):

CeGaT Center for Human Genetics Tuebingen
Classification: Likely pathogenic. Last evaluated: 2024-03-01. Review status: criteria provided, single submitter. Criteria: CeGaT Center For Human Genetics Tuebingen Variant Classification Criteria Version 2. Collection method: clinical testing. Allele origin: germline. Affected: yes. Observed: 1 variant allele.
Comment: SETD5: PS2, PM2, PS4:Moderate, PP3

Blueprint Genetics
Classification: Likely pathogenic for SETD5-related disorders. Last evaluated: 2024-01-11. Review status: criteria provided, single submitter. Criteria: ACMG Guidelines, 2015. Collection method: clinical testing. Allele origin: germline. Affected: yes. Observed: 1 variant allele.